The following is an entry in ClinVar:

NM_015352.2(POFUT1):c.75T>C (p.Pro25=)

Gene: POFUT1 (protein O-fucosyltransferase 1; plus strand). Cytogenetic location: 20q11.21.
Variant type: single nucleotide variant.
Coding change: c.75T>C on transcript NM_015352.2 (MANE Select); coding-DNA position 75, T replaced by C.
Protein change: p.Pro25=; no amino-acid change (proline 25 retained).
Molecular consequence: synonymous variant.
Genome position (GRCh38, 1-based): chr20:32,208,016, T>C. VCF-style: chr20-32208016-T-C. GRCh37 (hg19) VCF-style: chr20-30795819-T-C.
Other names: p.Pro25=; c.75T>C, p.Pro25= (NM_172236.2).
Identifiers: ClinVar variation 683580 (VCV000683580.16), dbSNP rs1923095, ClinGen allele CA9807097.

ClinVar aggregate classification (germline): Benign. Review status: criteria provided, multiple submitters, no conflicts (2 of 4 stars). 6 submissions from 6 submitters: Benign (5). 1 of the submissions does not count toward it. Last evaluated 2026-02-03.

Conditions:
Dowling-Degos disease 2 (DDD2). Identifiers: Orphanet 79145, MedGen C3809147, MONDO:0014130, OMIM 615327.
POFUT1-related disorder. Also called: POFUT1-related condition.

Allele frequency attached by ClinVar (database versions not stated): ESP Exome Variant Server 0.66892; gnomAD 0.68577 and 0.69055; ExAC 0.67648; 1000 Genomes Project 0.76458; 1000 Genomes Project 30x 0.76671; gnomAD exomes 0.64553; TOPMed 0.70658.
gnomAD v4.1: 934,336 of 1,580,522 alleles (59%); highest among the groups gnomAD compares: East Asian, 100%; 286,387 homozygotes.

Submissions (6):

Labcorp Genetics (formerly Invitae), Labcorp
Classification: Benign for Dowling-Degos disease 2. Last evaluated: 2026-02-03. Review status: criteria provided, single submitter. Criteria: Invitae Variant Classification Sherloc (09022015). Collection method: clinical testing. Allele origin: germline.

Genome-Nilou Lab
Classification: Benign for Dowling-Degos disease 2. Last evaluated: 2021-10-25. Review status: criteria provided, single submitter. Criteria: ACMG Guidelines, 2015. Collection method: clinical testing. Allele origin: germline. Affected: no.

GeneDx
Classification: Benign. Last evaluated: 2018-06-14. Review status: criteria provided, single submitter. Criteria: GeneDx Variant Classification (06012015). Collection method: clinical testing. Allele origin: germline. Affected: yes.
Comment: This variant is considered likely benign or benign based on one or more of the following criteria: it is a conservative change, it occurs at a poorly conserved position in the protein, it is predicted to be benign by multiple in silico algorithms, and/or has population frequency not consistent with disease.

Mayo Clinic Laboratories, Mayo Clinic
Classification: Benign. Last evaluated: 2017-12-14. Review status: criteria provided, single submitter. Criteria: ACMG Guidelines, 2015. Collection method: clinical testing. Allele origin: germline. Observed: 34 variant alleles.

Breakthrough Genomics
Classification: Benign. Review status: criteria provided, single submitter. Criteria: ACMG Guidelines, 2015. Collection method: not provided. Allele origin: germline. Inheritance: Autosomal dominant inheritance. Affected: yes.

PreventionGenetics, part of Exact Sciences
Classification: Benign for POFUT1-related condition. Last evaluated: 2019-05-02. Review status: no assertion criteria provided. Collection method: clinical testing. Allele origin: germline. Not counted in ClinVar's aggregate classification.
Comment: This variant is classified as benign based on ACMG/AMP sequence variant interpretation guidelines (Richards et al. 2015 PMID: 25741868, with internal and published modifications).